The following is an entry in ClinVar:

NM_080424.4(SP110):c.80T>C (p.Ile27Thr)

Genes: SP110 (SP110 nuclear body protein; minus strand), SP140 (SP140 nuclear body protein; plus strand). Cytogenetic location: 2q37.1.
Variant type: single nucleotide variant.
Coding change: c.80T>C on transcript NM_080424.4 (MANE Select); coding-DNA position 80, T replaced by C.
Protein change: p.Ile27Thr; replaces isoleucine 27 with threonine.
Molecular consequence: missense variant.
Genome position (GRCh38, 1-based): chr2:230,216,848, A>G on the plus strand (T>C on the coding strand, the complement: SP110 is on the minus strand). VCF-style: chr2-230216848-A-G. GRCh37 (hg19) VCF-style: chr2-231081563-A-G.
Other names: c.98T>C, p.Ile33Thr (NM_001185015.2, NM_001378442.1, NM_001378444.1 and 2 more transcripts); c.80T>C, p.Ile27Thr (NM_001378443.1, NM_001378447.1, NM_004509.5 and 1 more transcripts); short protein forms I27T, I33T.
Identifiers: ClinVar variation 424358 (VCV000424358.2), dbSNP rs1064796930, ClinGen allele CA16617493.
Genomic context (GRCh38, chr2:230,216,848, plus strand): 5'-ATTCTCTTAGTGATGATGGAGTTGTCTAGGAGGCCTTCAAAGAAGGGAAATGGCTTGTGT[A>G]TGGCATAGGCGATCCCCAGCTTCTGGTGCATGAAGTGCTGAAAAAGAGCCTCTTCCATGG-3'
Protein context (NP_536349.3, residues 17-37): MHQKLGIAYA[Ile27Thr]HKPFPFFEGL

ClinVar aggregate classification (germline): Uncertain significance (1 of 4 stars; one submission).

Submission:

GeneDx
Classification: Uncertain significance. Last evaluated: 2017-03-21. Review status: criteria provided, single submitter. Criteria: GeneDx Variant Classification (06012015). Collection method: clinical testing. Allele origin: germline. Affected: yes.
Comment: The I27T variant in the SP110 gene has not been reported previously as a pathogenic variant, nor as a benign variant, to our knowledge. The I27T variant is not observed in large population cohorts (Lek et al., 2016; 1000 Genomes Consortium et al., 2015; Exome Variant Server). The I27T variant is a non-conservative amino acid substitution, which is likely to impact secondary protein structure as these residues differ in polarity, charge, size and/or other properties. This substitution occurs at a position that is conserved in mammals, and in silico analysis predicts this variant is probably damaging to the protein structure/function. We interpret I27T as a variant of uncertain significance.